The following is an entry in ClinVar:

ClinVar aggregate classification (germline): Uncertain significance. Review status: criteria provided, multiple submitters, no conflicts (2 of 4 stars). 2 submissions from 2 submitters: Uncertain significance (2). Last evaluated 2025-04-23.

Conditions:
Charcot-Marie-Tooth disease axonal type 2Z. Also called: CHARCOT-MARIE-TOOTH DISEASE, AXONAL, AUTOSOMAL DOMINANT, TYPE 2Z; CHARCOT-MARIE-TOOTH NEUROPATHY, TYPE 2Z. Identifiers: Orphanet 466768, MedGen C5569025, MONDO:0014736, OMIM 616688.

gnomAD v4.1: 1 of 1,614,148 alleles (0.000062%); highest among the groups gnomAD compares: Non-Finnish European, 0.000085%; no homozygotes.

Submissions (2):

Labcorp Genetics (formerly Invitae), Labcorp
Classification: Uncertain significance for Charcot-Marie-Tooth disease axonal type 2Z. Last evaluated: 2025-04-23. Review status: criteria provided, single submitter. Criteria: Invitae Variant Classification Sherloc (09022015). Collection method: clinical testing. Allele origin: germline.
Comment: This sequence change replaces methionine, which is neutral and non-polar, with valine, which is neutral and non-polar, at codon 393 of the MORC2 protein (p.Met393Val). This variant is not present in population databases (gnomAD no frequency). This variant has not been reported in the literature in individuals affected with MORC2-related conditions. ClinVar contains an entry for this variant (Variation ID: 3368597). Invitae Evidence Modeling of protein sequence and biophysical properties (such as structural, functional, and spatial information, amino acid conservation, physicochemical variation, residue mobility, and thermodynamic stability) indicates that this missense variant is expected to disrupt MORC2 protein function with a positive predictive value of 95%. In summary, the available evidence is currently insufficient to determine the role of this variant in disease. Therefore, it has been classified as a Variant of Uncertain Significance.

GeneDx
Classification: Uncertain significance. Last evaluated: 2024-02-01. Review status: criteria provided, single submitter. Criteria: GeneDx Variant Classification Process June 2021. Collection method: clinical testing. Allele origin: germline. Affected: yes.
Comment: Not observed at significant frequency in large population cohorts (gnomAD); In silico analysis supports that this missense variant has a deleterious effect on protein structure/function; Has not been previously published as pathogenic or benign to our knowledge

NM_001303256.3(MORC2):c.1177A>G (p.Met393Val)

Gene: MORC2 (MORC family CW-type zinc finger 2; minus strand). Cytogenetic location: 22q12.2.
Variant type: single nucleotide variant.
Coding change: c.1177A>G on transcript NM_001303256.3 (MANE Select); coding-DNA position 1177, A replaced by G.
Protein change: p.Met393Val; replaces methionine 393 with valine.
Molecular consequence: missense variant.
Genome position (GRCh38, 1-based): chr22:30,938,102, T>C on the plus strand (A>G on the coding strand, the complement: MORC2 is on the minus strand). VCF-style: chr22-30938102-T-C. GRCh37 (hg19) VCF-style: chr22-31334089-T-C.
Other names: c.1177A>G, p.Met393Val (NM_001303257.2); c.991A>G, p.Met331Val (NM_014941.3); short protein forms M331V, M393V.
Identifiers: ClinVar variation 3368597 (VCV003368597.2).